The following is an entry in ClinVar:

NM_015015.3(KDM4B):c.359G>A (p.Arg120His)

Gene: KDM4B (lysine demethylase 4B; plus strand). Cytogenetic location: 19p13.3.
Variant type: single nucleotide variant.
Coding change: c.359G>A on transcript NM_015015.3 (MANE Select); coding-DNA position 359, G replaced by A.
Protein change: p.Arg120His; replaces arginine 120 with histidine.
Molecular consequence: missense variant.
Genome position (GRCh38, 1-based): chr19:5,041,178, G>A. VCF-style: chr19-5041178-G-A. GRCh37 (hg19) VCF-style: chr19-5041189-G-A.
Other names: c.359G>A, p.Arg120His (NM_001370093.1, NM_001370094.1); short protein forms R120H.
Identifiers: ClinVar variation 1690528 (VCV001690528.2), dbSNP rs2145667461, ClinGen allele CA403490650.
Genomic context (GRCh38, chr19:5,041,178, plus strand): 5'-TGGGGTGTTTGTTCACCAGGTACTGTACCCCGCGGCACCAGGACTTTGATGACCTTGAAC[G>A]CAAATACTGGAAGAACCTCACCTTTGTCTCCCCGATCTACGGGGCTGACATCAGCGGCTC-3'
Protein context (NP_055830.1, residues 110-130): PRHQDFDDLE[Arg120His]KYWKNLTFVS

ClinVar aggregate classification (germline): Uncertain significance (1 of 4 stars; one submission).

Allele frequency attached by ClinVar (database versions not stated): gnomAD exomes below 0.00001.
gnomAD v4.1: 1 of 1,612,768 alleles (0.000062%); highest among the groups gnomAD compares: Non-Finnish European, 0.000085%; no homozygotes.

Submission:

Laboratorio de Genetica e Diagnostico Molecular, Hospital Israelita Albert Einstein
Classification: Uncertain significance. Last evaluated: 2021-12-20. Review status: criteria provided, single submitter. Criteria: ACMG Guidelines, 2015. Collection method: clinical testing. Allele origin: germline. Affected: yes.
Comment: ACMG classification criteria: PM2, PP2